The following is an entry in ClinVar:

NM_017831.4(RNF125):c.207G>A (p.Lys69=)

Gene: RNF125 (ring finger protein 125; plus strand). Cytogenetic location: 18q12.1.
Variant type: single nucleotide variant.
Coding change: c.207G>A on transcript NM_017831.4 (MANE Select); coding-DNA position 207, G replaced by A.
Protein change: p.Lys69=; no amino-acid change (lysine 69 retained).
Molecular consequence: synonymous variant.
Genome position (GRCh38, 1-based): chr18:32,037,158, G>A. VCF-style: chr18-32037158-G-A. GRCh37 (hg19) VCF-style: chr18-29617121-G-A.
Identifiers: ClinVar variation 3059184 (VCV003059184.2), dbSNP rs2510916361, ClinGen allele CA503690280.

ClinVar aggregate classification (germline): Likely benign (0 of 4 stars; one submission).

Conditions:
RNF125-related disorder. Also called: RNF125-related condition.

Allele frequency attached by ClinVar (database versions not stated): gnomAD exomes below 0.00001.
gnomAD v4.1: 1 of 1,607,166 alleles (0.000062%); highest among the groups gnomAD compares: African/African-American, 0.0013%; no homozygotes.

Submission:

PreventionGenetics, part of Exact Sciences
Classification: Likely benign for RNF125-related condition. Last evaluated: 2021-06-01. Review status: no assertion criteria provided. Collection method: clinical testing. Allele origin: germline.
Comment: This variant is classified as likely benign based on ACMG/AMP sequence variant interpretation guidelines (Richards et al. 2015 PMID: 25741868, with internal and published modifications).